The following is an entry in ClinVar:

ClinVar aggregate classification (germline): Uncertain significance. Review status: criteria provided, multiple submitters, no conflicts (2 of 4 stars). 3 submissions from 3 submitters: Uncertain significance (3). Last evaluated 2024-12-04.

Conditions:
Hereditary cancer-predisposing syndrome. Also called: Neoplastic Syndromes, Hereditary; Tumor predisposition; Hereditary Cancer Syndrome; Hereditary neoplastic syndrome. Identifiers: Orphanet 140162, MedGen C0027672, MeSH D009386, MONDO:0015356.
Rhabdoid tumor predisposition syndrome 2 (RTPS2). Identifiers: Orphanet 231108, Orphanet 69077, MedGen C2750074, MONDO:0013224, OMIM 613325.

Allele frequency attached by ClinVar (database versions not stated): gnomAD exomes below 0.00001 and 0.00001; gnomAD 0.00001; TOPMed 0.00001.
gnomAD v4.1: 9 of 1,613,166 alleles (0.00056%); highest among the groups gnomAD compares: Non-Finnish European, 0.00068%; no homozygotes.

Submissions (3):

Ambry Genetics
Classification: Uncertain significance for Hereditary cancer-predisposing syndrome. Last evaluated: 2024-12-04. Review status: criteria provided, single submitter. Criteria: Ambry Variant Classification Scheme 2023. Collection method: clinical testing. Allele origin: germline.
Comment: The p.A1245V variant (also known as c.3734C>T), located in coding exon 25 of the SMARCA4 gene, results from a C to T substitution at nucleotide position 3734. The alanine at codon 1245 is replaced by valine, an amino acid with similar properties. This amino acid position is highly conserved in available vertebrate species. In addition, the in silico prediction for this alteration is inconclusive. Based on the available evidence, the clinical significance of this variant remains unclear.

Labcorp Genetics (formerly Invitae), Labcorp
Classification: Uncertain significance for Rhabdoid tumor predisposition syndrome 2. Last evaluated: 2024-06-10. Review status: criteria provided, single submitter. Criteria: Invitae Variant Classification Sherloc (09022015). Collection method: clinical testing. Allele origin: germline.
Comment: This sequence change replaces alanine, which is neutral and non-polar, with valine, which is neutral and non-polar, at codon 1245 of the SMARCA4 protein (p.Ala1245Val). This variant is present in population databases (no rsID available, gnomAD 0.0009%). This variant has not been reported in the literature in individuals affected with SMARCA4-related conditions. ClinVar contains an entry for this variant (Variation ID: 1025632). Advanced modeling of protein sequence and biophysical properties (such as structural, functional, and spatial information, amino acid conservation, physicochemical variation, residue mobility, and thermodynamic stability) has been performed at Invitae for this missense variant, however the output from this modeling did not meet the statistical confidence thresholds required to predict the impact of this variant on SMARCA4 protein function. In summary, the available evidence is currently insufficient to determine the role of this variant in disease. Therefore, it has been classified as a Variant of Uncertain Significance.

GeneDx
Classification: Uncertain significance. Last evaluated: 2022-10-13. Review status: criteria provided, single submitter. Criteria: GeneDx Variant Classification Process June 2021. Collection method: clinical testing. Allele origin: germline. Affected: yes.
Comment: In silico analysis supports that this missense variant does not alter protein structure/function; Has not been previously published as pathogenic or benign to our knowledge

NM_003072.5(SMARCA4):c.3734C>T (p.Ala1245Val)

Gene: SMARCA4 (SWI/SNF related BAF chromatin remodeling complex subunit ATPase 4; plus strand). Cytogenetic location: 19p13.2.
Variant type: single nucleotide variant.
Coding change: c.3734C>T on transcript NM_003072.5 (MANE Select); coding-DNA position 3734, C replaced by T.
Protein change: p.Ala1245Val; replaces alanine 1245 with valine.
Molecular consequence: missense variant. On other transcripts: non-coding transcript variant (1).
Genome position (GRCh38, 1-based): chr19:11,033,477, C>T. VCF-style: chr19-11033477-C-T. GRCh37 (hg19) VCF-style: chr19-11144153-C-T.
Other names: c.3734C>T, p.Ala1245Val (NM_001128844.3, NM_001128845.2, NM_001128846.2 and 4 more transcripts); c.3734C>T (NM_001128849.1); short protein forms A1245V.
Identifiers: ClinVar variation 1025632 (VCV001025632.10), dbSNP rs797045984, ClinGen allele CA404066031.
Genomic context (GRCh38, chr19:11,033,477, plus strand): 5'-ACCAGAAGGTGATCCAGGCCGGCATGTTCGACCAGAAGTCCTCCAGCCATGAGCGGCGCG[C>T]CTTCCTGCAGGCCATCCTGGAGCACGAGGAGCAGGATGAGGTGAGCCCAGCACCGGCCCC-3'
Protein context (NP_003063.2, residues 1235-1255): DQKSSSHERR[Ala1245Val]FLQAILEHEE